The following is an entry in ClinVar:

NM_020699.4(GATAD2B):c.349G>A (p.Gly117Arg)

Gene: GATAD2B (GATA zinc finger domain containing 2B; minus strand). Cytogenetic location: 1q21.3.
Variant type: single nucleotide variant.
Coding change: c.349G>A on transcript NM_020699.4 (MANE Select); coding-DNA position 349, G replaced by A.
Protein change: p.Gly117Arg; replaces glycine 117 with arginine.
Molecular consequence: missense variant.
Genome position (GRCh38, 1-based): chr1:153,819,722, C>T on the plus strand (G>A on the coding strand, the complement: GATAD2B is on the minus strand). VCF-style: chr1-153819722-C-T. GRCh37 (hg19) VCF-style: chr1-153792198-C-T.
Other names: short protein forms G117R.
Identifiers: ClinVar variation 1961487 (VCV001961487.8), dbSNP rs1294091404, ClinGen allele CA342535965.

ClinVar aggregate classification (germline): Uncertain significance. Review status: criteria provided, multiple submitters, no conflicts (2 of 4 stars). 4 submissions from 4 submitters: Uncertain significance (4). Last evaluated 2023-04-11.

Conditions:
Inborn genetic diseases. Identifiers: MedGen C0950123, MeSH D030342.
Severe intellectual disability-poor language-strabismus-grimacing face-long fingers syndrome (GAND). Also called: GAND SYNDROME. Identifiers: Orphanet 363686, MedGen C3554448, MONDO:0014034, OMIM 615074.

gnomAD v4.1: 7 of 1,602,576 alleles (0.00044%); highest among the groups gnomAD compares: Admixed American, 0.0052%; 1 homozygote.

Submissions (4):

Genome-Nilou Lab
Classification: Uncertain significance for Severe intellectual disability-poor language-strabismus-grimacing face-long fingers syndrome. Last evaluated: 2023-04-11. Review status: criteria provided, single submitter. Criteria: ACMG Guidelines, 2015. Collection method: clinical testing. Allele origin: germline. Affected: no.

Labcorp Genetics (formerly Invitae), Labcorp
Classification: Uncertain significance. Last evaluated: 2022-08-10. Review status: criteria provided, single submitter. Criteria: Invitae Variant Classification Sherloc (09022015). Collection method: clinical testing. Allele origin: germline.
Comment: In summary, the available evidence is currently insufficient to determine the role of this variant in disease. Therefore, it has been classified as a Variant of Uncertain Significance. Algorithms developed to predict the effect of missense changes on protein structure and function are either unavailable or do not agree on the potential impact of this missense change (SIFT: "Not Available"; PolyPhen-2: "Benign"; Align-GVGD: "Not Available"). This variant has not been reported in the literature in individuals affected with GATAD2B-related conditions. This variant is present in population databases (no rsID available, gnomAD 0.004%). This sequence change replaces glycine, which is neutral and non-polar, with arginine, which is basic and polar, at codon 117 of the GATAD2B protein (p.Gly117Arg).

Laboratorio de Genetica e Diagnostico Molecular, Hospital Israelita Albert Einstein
Classification: Uncertain significance for Severe intellectual disability-poor language-strabismus-grimacing face-long fingers syndrome. Last evaluated: 2022-07-05. Review status: criteria provided, single submitter. Criteria: ACMG Guidelines, 2015. Collection method: clinical testing. Allele origin: germline. Affected: yes.
Comment: ACMG classification criteria: PM2 moderated, PP2 supporting, BP4 supporting

Ambry Genetics
Classification: Uncertain significance for Inborn genetic diseases. Last evaluated: 2021-09-09. Review status: criteria provided, single submitter. Criteria: Ambry Variant Classification Scheme 2023. Collection method: clinical testing. Allele origin: germline.